The following is an entry in ClinVar:

NM_000552.5(VWF):c.2003C>T (p.Thr668Ile)

Gene: VWF (von Willebrand factor; minus strand). Cytogenetic location: 12p13.31.
Variant type: single nucleotide variant.
Coding change: c.2003C>T on transcript NM_000552.5 (MANE Select); coding-DNA position 2003, C replaced by T.
Protein change: p.Thr668Ile; replaces threonine 668 with isoleucine.
Molecular consequence: missense variant.
Genome position (GRCh38, 1-based): chr12:6,052,726, G>A on the plus strand (C>T on the coding strand, the complement: VWF is on the minus strand). VCF-style: chr12-6052726-G-A. GRCh37 (hg19) VCF-style: chr12-6161892-G-A.
Other names: short protein forms T668I.
Identifiers: ClinVar variation 3766652 (VCV003766652.1).

ClinVar aggregate classification (germline): Uncertain significance (1 of 4 stars; one submission).

Submission:

ARUP Laboratories, Molecular Genetics and Genomics, ARUP Laboratories
Classification: Uncertain significance. Last evaluated: 2024-06-03. Review status: criteria provided, single submitter. Criteria: ARUP Molecular Germline Variant Investigation Process 2024. Collection method: clinical testing. Allele origin: germline.
Comment: The VWF c.2003C>T; p.Thr668Ile variant, to our knowledge, is not reported in the medical literature or gene specific databases. This variant is also absent from the Genome Aggregation Database (v2.1.1), indicating it is not a common polymorphism. Computational analyses predict that this variant is deleterious (REVEL: 0.808). Due to limited information, the clinical significance of this variant is uncertain at this time.